The following is an entry in ClinVar:

ClinVar aggregate classification (germline): Uncertain significance (1 of 4 stars; one submission).

Submission:

Labcorp Genetics (formerly Invitae), Labcorp
Classification: Uncertain significance. Last evaluated: 2022-12-06. Review status: criteria provided, single submitter. Criteria: Invitae Variant Classification Sherloc (09022015). Collection method: clinical testing. Allele origin: germline.
Comment: In summary, the available evidence is currently insufficient to determine the role of this variant in disease. Therefore, it has been classified as a Variant of Uncertain Significance. This variant has not been reported in the literature in individuals affected with AXL-related conditions. This variant is not present in population databases (gnomAD no frequency). This sequence change creates a premature translational stop signal (p.Gln175Leufs*35) in the AXL gene. It is expected to result in an absent or disrupted protein product. However, the current clinical and genetic evidence is not sufficient to establish whether loss-of-function variants in AXL cause disease.

NM_021913.5(AXL):c.523_524insT (p.Gln175fs)

Gene: AXL (AXL receptor tyrosine kinase; plus strand). Cytogenetic location: 19q13.2.
Variant type: Insertion.
Coding change: c.523_524insT on transcript NM_021913.5 (MANE Select); coding-DNA positions 523 to 524, T inserted.
Protein change: p.Gln175fs; shifts the reading frame from glutamine 175.
Molecular consequence: frameshift variant.
Genome position: GRCh38 VCF-style: chr19-41221993-C-CT. GRCh37 (hg19) VCF-style: chr19-41727898-C-CT.
Other names: c.523_524insT, p.Gln175fs (NM_001699.6); short protein forms Q175fs.
Identifiers: ClinVar variation 2818073 (VCV002818073.3), dbSNP rs2033799157, ClinGen allele CA2336364631.